The following is an entry in ClinVar:

ClinVar aggregate classification (germline): Uncertain significance. Review status: criteria provided, multiple submitters, no conflicts (2 of 4 stars). 2 submissions from 2 submitters: Uncertain significance (2). Last evaluated 2023-05-03.

Conditions:
Hereditary cancer-predisposing syndrome. Also called: Hereditary neoplastic syndrome; Tumor predisposition; Neoplastic Syndromes, Hereditary; Hereditary Cancer Syndrome. Identifiers: Orphanet 140162, MedGen C0027672, MeSH D009386, MONDO:0015356.
Multiple endocrine neoplasia type 4. Also called: MULTIPLE ENDOCRINE NEOPLASIA, TYPE IV. Identifiers: Orphanet 276152, MedGen C1970712, MONDO:0012552, OMIM 610755.

Submissions (2):

Ambry Genetics
Classification: Uncertain significance for Hereditary cancer-predisposing syndrome. Last evaluated: 2023-05-03. Review status: criteria provided, single submitter. Criteria: Ambry Variant Classification Scheme 2023. Collection method: clinical testing. Allele origin: germline.
Comment: The p.H129Y variant (also known as c.385C>T), located in coding exon 1 of the CDKN1B gene, results from a C to T substitution at nucleotide position 385. The histidine at codon 129 is replaced by tyrosine, an amino acid with similar properties. This amino acid position is well conserved in available vertebrate species. In addition, the in silico prediction for this alteration is inconclusive. Since supporting evidence is limited at this time, the clinical significance of this alteration remains unclear.

Labcorp Genetics (formerly Invitae), Labcorp
Classification: Uncertain significance for Multiple endocrine neoplasia type 4. Last evaluated: 2019-04-10. Review status: criteria provided, single submitter. Criteria: Invitae Variant Classification Sherloc (09022015). Collection method: clinical testing. Allele origin: germline.
Comment: In summary, the available evidence is currently insufficient to determine the role of this variant in disease. Therefore, it has been classified as a Variant of Uncertain Significance. Algorithms developed to predict the effect of sequence changes on RNA splicing suggest that this variant may create or strengthen a splice site, but this prediction has not been confirmed by published transcriptional studies. Algorithms developed to predict the effect of missense changes on protein structure and function (SIFT, PolyPhen-2, Align-GVGD) all suggest that this variant is likely to be disruptive, but these predictions have not been confirmed by published functional studies and their clinical significance is uncertain. This variant has not been reported in the literature in individuals with CDKN1B-related conditions. This variant is not present in population databases (ExAC no frequency). This sequence change replaces histidine with tyrosine at codon 129 of the CDKN1B protein (p.His129Tyr). The histidine residue is highly conserved and there is a moderate physicochemical difference between histidine and tyrosine.

NM_004064.5(CDKN1B):c.385C>T (p.His129Tyr)

Gene: CDKN1B (cyclin dependent kinase inhibitor 1B; plus strand). Cytogenetic location: 12p13.1.
Variant type: single nucleotide variant.
Coding change: c.385C>T on transcript NM_004064.5 (MANE Select); coding-DNA position 385, C replaced by T.
Protein change: p.His129Tyr; replaces histidine 129 with tyrosine.
Molecular consequence: missense variant.
Genome position (GRCh38, 1-based): chr12:12,718,224, C>T. VCF-style: chr12-12718224-C-T. GRCh37 (hg19) VCF-style: chr12-12871158-C-T.
Other names: c.385C>T (NM_004064.3); short protein forms H129Y.
Identifiers: ClinVar variation 857199 (VCV000857199.11), dbSNP rs1946497392, ClinGen allele CA383970550.